The following is an entry in ClinVar:

ClinVar aggregate classification (germline): Uncertain significance (1 of 4 stars; one submission).

Conditions:
EGFR-related lung cancer (EGFR). Identifiers: MedGen CN130014.

Submission:

Labcorp Genetics (formerly Invitae), Labcorp
Classification: Uncertain significance for EGFR-related lung cancer. Last evaluated: 2020-03-18. Review status: criteria provided, single submitter. Criteria: Invitae Variant Classification Sherloc (09022015). Collection method: clinical testing. Allele origin: germline.
Comment: This sequence change replaces proline with arginine at codon 332 of the EGFR protein (p.Pro332Arg). The proline residue is moderately conserved and there is a moderate physicochemical difference between proline and arginine. This variant is not present in population databases (ExAC no frequency). This variant has not been reported in the literature in individuals with EGFR-related conditions. Algorithms developed to predict the effect of missense changes on protein structure and function are either unavailable or do not agree on the potential impact of this missense change (SIFT: "Tolerated"; PolyPhen-2: "Possibly Damaging"; Align-GVGD: "Class C0"). In summary, the available evidence is currently insufficient to determine the role of this variant in disease. Therefore, it has been classified as a Variant of Uncertain Significance.

NM_005228.5(EGFR):c.995C>G (p.Pro332Arg)

Gene: EGFR (epidermal growth factor receptor; plus strand). Cytogenetic location: 7p11.2.
Variant type: single nucleotide variant.
Coding change: c.995C>G on transcript NM_005228.5 (MANE Select); coding-DNA position 995, C replaced by G.
Protein change: p.Pro332Arg; replaces proline 332 with arginine.
Molecular consequence: missense variant.
Genome position (GRCh38, 1-based): chr7:55,155,935, C>G. VCF-style: chr7-55155935-C-G. GRCh37 (hg19) VCF-style: chr7-55223628-C-G.
Other names: c.860C>G, p.Pro287Arg (NM_001346897.2, NM_001346899.2); c.995C>G, p.Pro332Arg (NM_001346898.2, NM_201282.2, NM_201283.2 and 1 more transcripts); c.836C>G, p.Pro279Arg (NM_001346900.2); c.194C>G, p.Pro65Arg (NM_001346941.2); short protein forms P279R, P287R, P332R, P65R.
Identifiers: ClinVar variation 999642 (VCV000999642.8), dbSNP rs1785391586, ClinGen allele CA367578145.
Genomic context (GRCh38, chr7:55,155,935, plus strand): 5'-GGGCCGACAGCTATGAGATGGAGGAAGACGGCGTCCGCAAGTGTAAGAAGTGCGAAGGGC[C>G]TTGCCGCAAAGGTAGGAAGCCCGCCGGTGTGCGGACGAGGCTTGTTCTCGGCTGCTGAGG-3'
Protein context (NP_005219.2, residues 322-342): GVRKCKKCEG[Pro332Arg]CRKVCNGIGI